The following is an entry in ClinVar:

ClinVar aggregate classification (germline): Uncertain significance (1 of 4 stars; one submission).

Conditions:
Mitochondrial DNA depletion syndrome 9 (MTDPS9). Also called: SUCLG1-Related Mitochondrial DNA Depletion Syndrome, Encephalomyopathic Form with Methylmalonic Aciduria. Identifiers: Orphanet 17, MedGen C3151476, MONDO:0009504, OMIM 245400.

gnomAD v4.1: 23 of 1,614,158 alleles (0.0014%); highest among the groups gnomAD compares: South Asian, 0.0066%; no homozygotes.

Submission:

Labcorp Genetics (formerly Invitae), Labcorp
Classification: Uncertain significance for Mitochondrial DNA depletion syndrome 9. Last evaluated: 2022-08-09. Review status: criteria provided, single submitter. Criteria: Invitae Variant Classification Sherloc (09022015). Collection method: clinical testing. Allele origin: germline.
Comment: This sequence change replaces valine, which is neutral and non-polar, with isoleucine, which is neutral and non-polar, at codon 83 of the SUCLG1 protein (p.Val83Ile). This variant is present in population databases (rs539350409, gnomAD 0.01%). This variant has not been reported in the literature in individuals affected with SUCLG1-related conditions. ClinVar contains an entry for this variant (Variation ID: 1443535). Algorithms developed to predict the effect of missense changes on protein structure and function (SIFT, PolyPhen-2, Align-GVGD) all suggest that this variant is likely to be disruptive. In summary, the available evidence is currently insufficient to determine the role of this variant in disease. Therefore, it has been classified as a Variant of Uncertain Significance.

NM_003849.4(SUCLG1):c.247G>A (p.Val83Ile)

Gene: SUCLG1 (succinate-CoA ligase GDP/ADP-forming subunit alpha; minus strand). Cytogenetic location: 2p11.2.
Variant type: single nucleotide variant.
Coding change: c.247G>A on transcript NM_003849.4 (MANE Select); coding-DNA position 247, G replaced by A.
Protein change: p.Val83Ile; replaces valine 83 with isoleucine.
Molecular consequence: missense variant.
Genome position (GRCh38, 1-based): chr2:84,443,355, C>T on the plus strand (G>A on the coding strand, the complement: SUCLG1 is on the minus strand). VCF-style: chr2-84443355-C-T. GRCh37 (hg19) VCF-style: chr2-84670479-C-T.
Other names: short protein forms V83I.
Identifiers: ClinVar variation 1443535 (VCV001443535.3), dbSNP rs539350409, ClinGen allele CA1736367.